The following is an entry in ClinVar:

ClinVar aggregate classification (germline): Pathogenic (1 of 4 stars; one submission).

Submission:

Labcorp Genetics (formerly Invitae), Labcorp
Classification: Pathogenic. Last evaluated: 2025-08-29. Review status: criteria provided, single submitter. Criteria: Invitae Variant Classification Sherloc (09022015). Collection method: clinical testing. Allele origin: germline.
Comment: This sequence change creates a premature translational stop signal (p.Ser23*) in the MOCS2A gene. It is expected to result in an absent or disrupted protein product. Loss-of-function variants in MOCS2A are known to be pathogenic (PMID: 21031595). This variant is not present in population databases (gnomAD no frequency). This variant has not been reported in the literature in individuals affected with MOCS2A-related conditions. For these reasons, this variant has been classified as Pathogenic.

Literature cited by the submitters: PubMed 21031595.

NM_176806.4(MOCS2):c.68C>G (p.Ser23Ter)

Gene: MOCS2 (molybdenum cofactor synthesis 2; minus strand). Cytogenetic location: 5q11.2.
Variant type: single nucleotide variant.
Coding change: c.68C>G on transcript NM_176806.4 (MANE Plus Clinical); coding-DNA position 68, C replaced by G.
Protein change: p.Ser23Ter; replaces serine 23 with a stop codon.
Molecular consequence: nonsense. On other transcripts: 5 prime UTR variant (1).
Genome position (GRCh38, 1-based): chr5:53,108,594, G>C on the plus strand (C>G on the coding strand, the complement: MOCS2 is on the minus strand). VCF-style: chr5-53108594-G-C. GRCh37 (hg19) VCF-style: chr5-52404424-G-C.
Other names: c.-120C>G (NM_004531.5); short protein forms S23*.
Identifiers: ClinVar variation 4711719 (VCV004711719.1).